The following is an entry in ClinVar:

NM_015466.4(PTPN23):c.2731C>T (p.Pro911Ser)

Gene: PTPN23 (protein tyrosine phosphatase non-receptor type 23; plus strand). Cytogenetic location: 3p21.31.
Variant type: single nucleotide variant.
Coding change: c.2731C>T on transcript NM_015466.4 (MANE Select); coding-DNA position 2731, C replaced by T.
Protein change: p.Pro911Ser; replaces proline 911 with serine.
Molecular consequence: missense variant.
Genome position (GRCh38, 1-based): chr3:47,410,529, C>T. VCF-style: chr3-47410529-C-T. GRCh37 (hg19) VCF-style: chr3-47452019-C-T.
Other names: c.2353C>T, p.Pro785Ser (NM_001304482.2); short protein forms P785S, P911S.
Identifiers: ClinVar variation 1710692 (VCV001710692.2), dbSNP rs1705251062, ClinGen allele CA352559762.
Genomic context (GRCh38, chr3:47,410,529, plus strand): 5'-ATCCCCAGCCACACAGCCCCACGGCCAAACCCCACCCCTGCTCCTCCCCCGCCCTGCTTC[C>T]CTGTGCCCCCACCGCAGCCACTGCCCACGCCTTACACCTACCCTGCAGGGGCTAAGCAAC-3'
Protein context (NP_056281.1, residues 901-921): PTPAPPPPCF[Pro911Ser]VPPPQPLPTP

ClinVar aggregate classification (germline): Uncertain significance (1 of 4 stars; one submission).

Allele frequency attached by ClinVar (database versions not stated): gnomAD 0.00001.
gnomAD v4.1: 1 of 1,611,042 alleles (0.000062%); highest among the groups gnomAD compares: African/African-American, 0.0013%; no homozygotes.

Submission:

GeneDx
Classification: Uncertain significance. Last evaluated: 2022-04-14. Review status: criteria provided, single submitter. Criteria: GeneDx Variant Classification Process June 2021. Collection method: clinical testing. Allele origin: germline. Affected: yes.
Comment: Not observed at significant frequency in large population cohorts (gnomAD); In silico analysis supports that this missense variant does not alter protein structure/function; Has not been previously published as pathogenic or benign to our knowledge